The following is an entry in ClinVar:

NM_015355.4(SUZ12):c.2168_2170delinsTT (p.Glu723fs)

Gene: SUZ12 (SUZ12 polycomb repressive complex 2 subunit; plus strand). Cytogenetic location: 17q11.2.
Variant type: Indel.
Coding change: c.2168_2170delinsTT on transcript NM_015355.4 (MANE Select); coding-DNA positions 2168 to 2170, AAA replaced by TT.
Protein change: p.Glu723fs; shifts the reading frame from glutamic acid 723.
Molecular consequence: frameshift variant.
Genome position (GRCh38, 1-based): chr17:31,998,951-31,998,953, AAA replaced by TT. VCF-style: chr17-31998951-AAA-TT. GRCh37 (hg19) VCF-style: chr17-30325970-AAA-TT.
Other names: c.2099_2101delinsTT, p.Glu700fs (NM_001321207.2); short protein forms E700fs, E723fs.
Identifiers: ClinVar variation 4820651 (VCV004820651.1).

ClinVar aggregate classification (germline): Uncertain significance (1 of 4 stars; one submission).

Conditions:
Overgrowth. Identifiers: MedGen C1849265, HP:0001548.

Submission:

Clinical Genetics Laboratory, Skane University Hospital Lund
Classification: Uncertain significance for Overgrowth. Review status: criteria provided, single submitter. Criteria: ACMG Guidelines, 2015. Collection method: clinical testing. Allele origin: germline. Affected: yes.
Comment: Based on current evidence, the variant was classified as a VUS.